The following is an entry in ClinVar:

ClinVar aggregate classification (germline): Likely pathogenic. Review status: criteria provided, multiple submitters, no conflicts (2 of 4 stars). 2 submissions from 2 submitters: Likely pathogenic (2). Last evaluated 2023-06-08.

Conditions:
Hereditary diffuse gastric adenocarcinoma (HDGC). Also called: DIFFUSE GASTRIC AND LOBULAR BREAST CANCER SYNDROME. Identifiers: Orphanet 26106, MedGen C1708349, MONDO:0007648, OMIM 137215.

gnomAD v4.1: 2 of 1,611,266 alleles (0.00012%); highest among the groups gnomAD compares: East Asian, 0.0022%; no homozygotes.

Submissions (2):

Myriad Genetics, Inc.
Classification: Likely pathogenic for Hereditary diffuse gastric adenocarcinoma. Last evaluated: 2023-06-08. Review status: criteria provided, single submitter. Criteria: Myriad Autosomal Dominant, Autosomal Recessive and X-Linked Classification Criteria (2023). Collection method: clinical testing. Allele origin: unknown.
Comment: This variant is considered likely pathogenic. This variant occurs within a consensus splice junction and is predicted to result in abnormal mRNA splicing of either an out-of-frame exon or an in-frame exon necessary for protein stability and/or normal function.

Labcorp Genetics (formerly Invitae), Labcorp
Classification: Likely pathogenic for Hereditary diffuse gastric adenocarcinoma. Last evaluated: 2021-02-19. Review status: criteria provided, single submitter. Criteria: Invitae Variant Classification Sherloc (09022015). Collection method: clinical testing. Allele origin: germline.
Comment: This variant is not present in population databases (ExAC no frequency). In summary, the currently available evidence indicates that the variant is pathogenic, but additional data are needed to prove that conclusively. Therefore, this variant has been classified as Likely Pathogenic. Algorithms developed to predict the effect of sequence changes on RNA splicing suggest that this variant may disrupt the consensus splice site, but this prediction has not been confirmed by published transcriptional studies. This variant has not been reported in the literature in individuals with CDH1-related conditions. This sequence change affects an acceptor splice site in intron 2 of the CDH1 gene. It is expected to disrupt RNA splicing. Variants that disrupt the donor or acceptor splice site typically lead to a loss of protein function (PMID: 16199547), and loss-of-function variants in CDH1 are known to be pathogenic (PMID: 15235021, 20373070).

Literature cited by the submitters: PubMed 16199547 (cited by Labcorp Genetics (formerly Invitae), Labcorp); PubMed 15235021 (cited by Labcorp Genetics (formerly Invitae), Labcorp); PubMed 20373070 (cited by Labcorp Genetics (formerly Invitae), Labcorp).

NM_004360.5(CDH1):c.164-2A>G

Gene: CDH1 (cadherin 1; plus strand). Cytogenetic location: 16q22.1.
Variant type: single nucleotide variant.
Coding change: c.164-2A>G on transcript NM_004360.5 (MANE Select); the canonical splice acceptor site of the intron before coding-DNA position 164, A replaced by G.
Molecular consequence: splice acceptor variant.
Genome position (GRCh38, 1-based): chr16:68,801,668, A>G. VCF-style: chr16-68801668-A-G. GRCh37 (hg19) VCF-style: chr16-68835571-A-G.
Other names: c.-1452-2A>G (NM_001317185.2); c.-1656-2A>G (NM_001317186.2); c.164-2A>G (NM_001317184.2).
Identifiers: ClinVar variation 1508263 (VCV001508263.10), dbSNP rs2152126585, ClinGen allele CA396457071.
Genomic context (GRCh38, chr16:68,801,668, plus strand): 5'-GAAGGAATGCTCTTGTCTTTAATCTGTCCAATTTCCTAATCTCTGTGATTTCTGCCCTGC[A>G]GTGAATTTTGAAGATTGCACCGGTCGACAAAGGACAGCCTATTTTTCCCTCGACACCCGA-3'